The following is an entry in ClinVar:

NM_005529.7(HSPG2):c.1508-16C>T

Gene: HSPG2 (heparan sulfate proteoglycan 2; minus strand). Cytogenetic location: 1p36.12.
Variant type: single nucleotide variant.
Coding change: c.1508-16C>T on transcript NM_005529.7 (MANE Select); 16 bases into the intron before coding-DNA position 1508, C replaced by T.
Molecular consequence: intron variant.
Genome position (GRCh38, 1-based): chr1:21,884,690, G>A on the plus strand (C>T on the coding strand, the complement: HSPG2 is on the minus strand). VCF-style: chr1-21884690-G-A. GRCh37 (hg19) VCF-style: chr1-22211183-G-A.
Other names: c.1508-13C>T (NM_001291860.2).
Identifiers: ClinVar variation 1907794 (VCV001907794.5), dbSNP rs1641751681, ClinGen allele CA999451576.
Genomic context (GRCh38, chr1:21,884,690, plus strand): 5'-AGGCGGCGCTGTGCTCCAGGTAGAAGTGGCCGTCAGGGCAGGGGCCTGCTGGGCGGCATG[G>A]GCGGGGGCTGCAGCCGGCTGTGGTGGGCAGCCCGGCTCTGCCCCCACACCCGGTGACACC-3'

ClinVar aggregate classification (germline): Uncertain significance (1 of 4 stars; one submission).

Allele frequency attached by ClinVar (database versions not stated): gnomAD 0.00001; gnomAD exomes 0.00001; TOPMed 0.00001.
gnomAD v4.1: 21 of 1,610,656 alleles (0.0013%); highest among the groups gnomAD compares: Admixed American, 0.0017%; no homozygotes.

Submission:

Labcorp Genetics (formerly Invitae), Labcorp
Classification: Uncertain significance. Last evaluated: 2022-05-31. Review status: criteria provided, single submitter. Criteria: Invitae Variant Classification Sherloc (09022015). Collection method: clinical testing. Allele origin: germline.
Comment: This sequence change falls in intron 12 of the HSPG2 gene. It does not directly change the encoded amino acid sequence of the HSPG2 protein. In summary, the available evidence is currently insufficient to determine the role of this variant in disease. Therefore, it has been classified as a Variant of Uncertain Significance. Algorithms developed to predict the effect of sequence changes on RNA splicing suggest that this variant may create or strengthen a splice site. This variant has not been reported in the literature in individuals affected with HSPG2-related conditions. This variant is not present in population databases (gnomAD no frequency).